The following is an entry in ClinVar:

NM_001130987.2(DYSF):c.3067C>T (p.Arg1023Trp)

Gene: DYSF (dysferlin; plus strand). Cytogenetic location: 2p13.2.
Variant type: single nucleotide variant.
Coding change: c.3067C>T on transcript NM_001130987.2 (MANE Select); coding-DNA position 3067, C replaced by T.
Protein change: p.Arg1023Trp; replaces arginine 1023 with tryptophan.
Molecular consequence: missense variant.
Genome position (GRCh38, 1-based): chr2:71,570,316, C>T. VCF-style: chr2-71570316-C-T. GRCh37 (hg19) VCF-style: chr2-71797446-C-T.
Other names: c.3016C>T, p.Arg1006Trp (NM_001130455.2, NM_001130983.2); c.2971C>T, p.Arg991Trp (NM_001130976.2, NM_001130977.2); c.3013C>T, p.Arg1005Trp (NM_001130978.2, NM_003494.4); c.3106C>T, p.Arg1036Trp (NM_001130979.2); c.3064C>T, p.Arg1022Trp (NM_001130980.2, NM_001130981.2); c.3109C>T, p.Arg1037Trp (NM_001130982.2); c.2974C>T, p.Arg992Trp (NM_001130984.2, NM_001130986.2); c.3067C>T, p.Arg1023Trp (NM_001130985.2); short protein forms R1005W, R1023W, R1006W, R1022W, R991W, R992W, R1036W, R1037W.
Identifiers: ClinVar variation 554130 (VCV000554130.4), dbSNP rs778316824, ClinGen allele CA1706382.

ClinVar aggregate classification (germline): Uncertain significance. Review status: criteria provided, single submitter (1 of 4 stars). 2 submissions from 2 submitters: Uncertain significance (1). 1 of the submissions does not count toward it. Last evaluated 2022-07-22.

Conditions:
Neuromuscular disease caused by qualitative or quantitative defects of dysferlin. Also called: Qualitative or quantitative defects of dysferlin; Dysferlinopathy. Identifiers: Orphanet 207073, MedGen C2931687, MONDO:0016145.
Autosomal recessive limb-girdle muscular dystrophy type 2B (LGMDR2). Also called: Limb-Girdle Muscular Dystrophy Type 2B (LGMD2B); MUSCULAR DYSTROPHY, LIMB-GIRDLE, AUTOSOMAL RECESSIVE 2; MUSCULAR DYSTROPHY, LIMB-GIRDLE, TYPE 3; Limb-girdle muscular dystrophy, type 2B. Identifiers: Orphanet 268, MedGen C1850889, MONDO:0009676, OMIM 253601.

Allele frequency attached by ClinVar (database versions not stated): gnomAD 0.00001; ExAC 0.00002; TOPMed 0.00002; 1000 Genomes Project 30x 0.00047.
gnomAD v4.1: 16 of 1,614,074 alleles (0.00099%); highest among the groups gnomAD compares: South Asian, 0.0066%; no homozygotes.

Submissions (2):

Labcorp Genetics (formerly Invitae), Labcorp
Classification: Uncertain significance for Neuromuscular disease caused by qualitative or quantitative defects of dysferlin. Last evaluated: 2022-07-22. Review status: criteria provided, single submitter. Criteria: Invitae Variant Classification Sherloc (09022015). Collection method: clinical testing. Allele origin: germline.
Comment: This sequence change replaces arginine, which is basic and polar, with tryptophan, which is neutral and slightly polar, at codon 1005 of the DYSF protein (p.Arg1005Trp). This variant is present in population databases (rs778316824, gnomAD 0.01%). This missense change has been observed in individual(s) with clinical features of dysferlinopathy (PMID: 25133958). This variant is also known as Arg1023Trp. ClinVar contains an entry for this variant (Variation ID: 554130). Advanced modeling of protein sequence and biophysical properties (such as structural, functional, and spatial information, amino acid conservation, physicochemical variation, residue mobility, and thermodynamic stability) performed at Invitae indicates that this missense variant is expected to disrupt DYSF protein function. In summary, the available evidence is currently insufficient to determine the role of this variant in disease. Therefore, it has been classified as a Variant of Uncertain Significance.

Counsyl
Classification: Uncertain significance for Autosomal recessive limb-girdle muscular dystrophy type 2B. Last evaluated: 2017-09-27. Review status: no assertion criteria provided. Collection method: clinical testing. Allele origin: unknown. Not counted in ClinVar's aggregate classification.

Literature cited by the submitters: PubMed 25133958 (cited by Labcorp Genetics (formerly Invitae), Labcorp).